The following is an entry in ClinVar:

ClinVar aggregate classification (germline): Uncertain significance (1 of 4 stars; one submission).

Submission:

GeneDx
Classification: Uncertain significance. Last evaluated: 2018-02-22. Review status: criteria provided, single submitter. Criteria: GeneDx Variant Classification (06012015). Collection method: clinical testing. Allele origin: germline. Affected: yes.
Comment: The c.849_850delGCinsAG variant in the LZTR1 gene has not been reported previously as a pathogenic variant, nor as a benign variant, to our knowledge. The c.849_850delGCinsAG variant causes a substitution of codon Arginine 284 for a Glycine residue, a missense change denoted p.R284G. This variant is a non-conservative amino acid substitution, which is likely to impact secondary protein structure as these residues differ in polarity, charge, size and/or other properties. In silico analyses, including protein predictors and evolutionary conservation, support a deleterious effect. A different missense change at this residue (p.R284C) has been reported in a family with Noonan syndrome and in an individual with schwannomatosis (Yamamoto et al., 2015; Paganini et al., 2015). We interpret c.849_850delGCinsAG as a variant of uncertain significance.

NM_006767.4(LZTR1):c.849_850delinsAG (p.Arg284Gly)

Gene: LZTR1 (leucine zipper like transcription regulator 1; plus strand). Cytogenetic location: 22q11.21.
Variant type: Indel.
Coding change: c.849_850delinsAG on transcript NM_006767.4 (MANE Select); coding-DNA positions 849 to 850, GC replaced by AG.
Protein change: p.Arg284Gly; replaces arginine 284 with glycine.
Molecular consequence: missense variant.
Genome position (GRCh38, 1-based): chr22:20,991,685-20,991,686, GC replaced by AG. VCF-style: chr22-20991685-GC-AG. GRCh37 (hg19) VCF-style: chr22-21345974-GC-AG.
Other names: short protein forms R284G.
Identifiers: ClinVar variation 504380 (VCV000504380.2), dbSNP rs1555928163, ClinGen allele CA658799495.
Genomic context (GRCh38, chr22:20,991,685, plus strand): 5'-CAGGTGGACACGCATCCCAACTGAACACCTGCTCCGGGGCTCCCCACCACCCCCGCAGCG[GC>AG]GCTACGGGCATACCATGGTGGCCTTTGACCGCCACCTCTATGTGTTTGGGGGTGCGGCCG-3'
Protein context (NP_006758.2, residues 274-294): LRGSPPPPQR[Arg284Gly]YGHTMVAFDR